The following is an entry in ClinVar:

ClinVar aggregate classification (germline): Uncertain significance. Review status: criteria provided, multiple submitters, no conflicts (2 of 4 stars). 3 submissions from 3 submitters: Uncertain significance (3). Last evaluated 2023-07-25.

Conditions:
Inborn genetic diseases. Identifiers: MedGen C0950123, MeSH D030342.

gnomAD v4.1: 7 of 1,614,166 alleles (0.00043%); highest among the groups gnomAD compares: Non-Finnish European, 0.00059%; no homozygotes.

Submissions (3):

Ambry Genetics
Classification: Uncertain significance for Inborn genetic diseases. Last evaluated: 2023-07-25. Review status: criteria provided, single submitter. Criteria: Ambry Variant Classification Scheme 2023. Collection method: clinical testing. Allele origin: germline.

Labcorp Genetics (formerly Invitae), Labcorp
Classification: Uncertain significance. Last evaluated: 2022-04-20. Review status: criteria provided, single submitter. Criteria: Invitae Variant Classification Sherloc (09022015). Collection method: clinical testing. Allele origin: germline.
Comment: In summary, the available evidence is currently insufficient to determine the role of this variant in disease. Therefore, it has been classified as a Variant of Uncertain Significance. Algorithms developed to predict the effect of missense changes on protein structure and function (SIFT, PolyPhen-2, Align-GVGD) all suggest that this variant is likely to be disruptive. ClinVar contains an entry for this variant (Variation ID: 446824). This variant has not been reported in the literature in individuals affected with ANG-related conditions. This variant is not present in population databases (gnomAD no frequency). This sequence change replaces arginine, which is basic and polar, with proline, which is neutral and non-polar, at codon 57 of the ANG protein (p.Arg57Pro).

Athena Diagnostics
Classification: Uncertain significance. Last evaluated: 2016-12-29. Review status: criteria provided, single submitter. Criteria: Athena Diagnostics Criteria. Collection method: clinical testing. Allele origin: germline.

NM_001097577.3(ANG):c.170G>C (p.Arg57Pro)

Genes: RNASE4 (ribonuclease A family member 4; plus strand), ANG (angiogenin; plus strand), EGILA (EGFR interacting lncRNA; minus strand). Cytogenetic location: 14q11.2.
Variant type: single nucleotide variant.
Coding change: c.170G>C on transcript NM_001097577.3 (MANE Select); coding-DNA position 170, G replaced by C.
Protein change: p.Arg57Pro; replaces arginine 57 with proline.
Molecular consequence: missense variant. On other transcripts: non-coding transcript variant (1), intron variant (4).
Genome position (GRCh38, 1-based): chr14:20,693,734, G>C. VCF-style: chr14-20693734-G-C. GRCh37 (hg19) VCF-style: chr14-21161893-G-C.
Other names: c.170G>C, p.Arg57Pro (NM_001145.4, NM_001385271.1, NM_001385272.1 and 2 more transcripts); c.-18+84G>C (NM_001282192.2); c.-17-5621G>C (NM_002937.5, NM_001282193.2); c.-18+4860G>C (NM_194431.3); short protein forms R57P.
Identifiers: ClinVar variation 446824 (VCV000446824.7), dbSNP rs770840869, ClinGen allele CA389114546.
Genomic context (GRCh38, chr14:20,693,734, plus strand): 5'-ACTATGATGCCAAACCACAGGGCCGGGATGACAGATACTGTGAAAGCATCATGAGGAGAC[G>C]GGGCCTGACCTCACCCTGCAAAGACATCAACACATTTATTCATGGCAACAAGCGCAGCAT-3'
Protein context (NP_001091046.1, residues 47-67): DRYCESIMRR[Arg57Pro]GLTSPCKDIN